The following is an entry in ClinVar:

NM_006790.3(MYOT):c.943G>A (p.Ala315Thr)

Genes: MYOT (myotilin; plus strand), PKD2L2-DT (PKD2L2 divergent transcript; minus strand). Cytogenetic location: 5q31.2.
Variant type: single nucleotide variant.
Coding change: c.943G>A on transcript NM_006790.3 (MANE Select); coding-DNA position 943, G replaced by A.
Protein change: p.Ala315Thr; replaces alanine 315 with threonine.
Molecular consequence: missense variant.
Genome position (GRCh38, 1-based): chr5:137,883,510, G>A. VCF-style: chr5-137883510-G-A. GRCh37 (hg19) VCF-style: chr5-137219199-G-A.
Other names: p.Ala315Thr; c.943G>A (NM_006790.2); c.391G>A, p.Ala131Thr (NM_001135940.2); c.598G>A, p.Ala200Thr (NM_001300911.2); short protein forms A131T, A200T, A315T.
Identifiers: ClinVar variation 1078920 (VCV001078920.12), dbSNP rs536024294, ClinGen allele CA3423077.

ClinVar aggregate classification (germline): Likely benign. Review status: criteria provided, multiple submitters, no conflicts (2 of 4 stars). 4 submissions from 4 submitters: Likely benign (4). Last evaluated 2025-12-15.

Conditions:
Inborn genetic diseases. Identifiers: MedGen C0950123, MeSH D030342.
Myofibrillar myopathy 3 (MFM3). Also called: Muscular dystrophy, proximal, type 1A; Autosomal dominant spheroid body myopathy. Identifiers: Orphanet 266, Orphanet 268129, MedGen C3714934, MONDO:0012215, OMIM 609200.

Allele frequency attached by ClinVar (database versions not stated): TOPMed 0.00003; gnomAD 0.00004 and 0.00005; ExAC 0.00007; 1000 Genomes Project 0.00060; 1000 Genomes Project 30x 0.00078.
gnomAD v4.1: 30 of 1,614,150 alleles (0.0019%); highest among the groups gnomAD compares: East Asian, 0.062%; no homozygotes.

Submissions (4):

Labcorp Genetics (formerly Invitae), Labcorp
Classification: Likely benign for Myofibrillar myopathy 3. Last evaluated: 2025-12-15. Review status: criteria provided, single submitter. Criteria: Invitae Variant Classification Sherloc (09022015). Collection method: clinical testing. Allele origin: germline.

Ambry Genetics
Classification: Likely benign for Inborn genetic diseases. Last evaluated: 2025-10-24. Review status: criteria provided, single submitter. Criteria: Ambry Variant Classification Scheme 2023. Collection method: clinical testing. Allele origin: germline.

Mayo Clinic Laboratories, Mayo Clinic
Classification: Likely benign. Last evaluated: 2025-04-02. Review status: criteria provided, single submitter. Criteria: ACMG Guidelines, 2015. Collection method: clinical testing. Allele origin: germline. Observed: 1 variant allele.
Comment: BS1, BP4_moderate

Blueprint Genetics
Classification: Likely benign. Last evaluated: 2021-01-15. Review status: criteria provided, single submitter. Criteria: ACMG Guidelines, 2015. Collection method: clinical testing. Allele origin: germline.